The following is an entry in ClinVar:

NM_001287491.2(TET3):c.2611C>T (p.Arg871Trp)

Gene: TET3 (tet methylcytosine dioxygenase 3; plus strand). Cytogenetic location: 2p13.1.
Variant type: single nucleotide variant.
Coding change: c.2611C>T on transcript NM_001287491.2 (MANE Select); coding-DNA position 2611, C replaced by T.
Protein change: p.Arg871Trp; replaces arginine 871 with tryptophan.
Molecular consequence: missense variant.
Genome position (GRCh38, 1-based): chr2:74,080,523, C>T. VCF-style: chr2-74080523-C-T. GRCh37 (hg19) VCF-style: chr2-74307650-C-T.
Other names: c.2332C>T, p.Arg778Trp (NM_001366022.1); short protein forms R778W, R871W.
Identifiers: ClinVar variation 3770084 (VCV003770084.1).

ClinVar aggregate classification (germline): Uncertain significance (1 of 4 stars; one submission).

Submission:

GeneDx
Classification: Uncertain significance. Last evaluated: 2024-09-13. Review status: criteria provided, single submitter. Criteria: GeneDx Variant Classification Process June 2021. Collection method: clinical testing. Allele origin: germline. Affected: yes.
Comment: Not observed at significant frequency in large population cohorts (gnomAD); In silico analysis supports that this missense variant has a deleterious effect on protein structure/function; Has not been previously published as pathogenic or benign to our knowledge